The following is an entry in ClinVar:

NM_016616.5(NME8):c.115T>C (p.Cys39Arg)

Gene: NME8 (NME/NM23 family member 8; plus strand). Cytogenetic location: 7p14.1.
Variant type: single nucleotide variant.
Coding change: c.115T>C on transcript NM_016616.5 (MANE Select); coding-DNA position 115, T replaced by C.
Protein change: p.Cys39Arg; replaces cysteine 39 with arginine.
Molecular consequence: missense variant.
Genome position (GRCh38, 1-based): chr7:37,850,652, T>C. VCF-style: chr7-37850652-T-C. GRCh37 (hg19) VCF-style: chr7-37890254-T-C.
Other names: short protein forms C39R.
Identifiers: ClinVar variation 2975159 (VCV002975159.3), dbSNP rs2483605560, ClinGen allele CA367219341.

ClinVar aggregate classification (germline): Uncertain significance (1 of 4 stars; one submission).

Conditions:
Primary ciliary dyskinesia 6. Also called: Primary Ciliary Dyskinesia 6: TXNDC3-Related Primary Ciliary Dyskinesia. Identifiers: Orphanet 244, MedGen C1970506, MONDO:0012571, OMIM 610852.

Allele frequency attached by ClinVar (database versions not stated): gnomAD exomes below 0.00001.
gnomAD v4.1: 1 of 1,612,304 alleles (0.000062%); highest among the groups gnomAD compares: Non-Finnish European, 0.000085%; no homozygotes.

Submission:

Labcorp Genetics (formerly Invitae), Labcorp
Classification: Uncertain significance for Primary ciliary dyskinesia 6. Last evaluated: 2024-01-29. Review status: criteria provided, single submitter. Criteria: Invitae Variant Classification Sherloc (09022015). Collection method: clinical testing. Allele origin: germline.
Comment: This sequence change replaces cysteine, which is neutral and slightly polar, with arginine, which is basic and polar, at codon 39 of the NME8 protein (p.Cys39Arg). This variant is not present in population databases (gnomAD no frequency). This variant has not been reported in the literature in individuals affected with NME8-related conditions. Advanced modeling of protein sequence and biophysical properties (such as structural, functional, and spatial information, amino acid conservation, physicochemical variation, residue mobility, and thermodynamic stability) performed at Invitae indicates that this missense variant is expected to disrupt NME8 protein function with a positive predictive value of 80%. In summary, the available evidence is currently insufficient to determine the role of this variant in disease. Therefore, it has been classified as a Variant of Uncertain Significance.